The following is an entry in ClinVar:

NM_001352754.2(ARMC9):c.2153G>A (p.Gly718Glu)

Genes: ARMC9 (armadillo repeat containing 9; plus strand), LOC122861306 (Sharpr-MPRA regulatory region 9410; plus strand). Cytogenetic location: 2q37.1.
Variant type: single nucleotide variant.
Coding change: c.2153G>A on transcript NM_001352754.2 (MANE Select); coding-DNA position 2153, G replaced by A.
Protein change: p.Gly718Glu; replaces glycine 718 with glutamic acid.
Molecular consequence: missense variant.
Genome position (GRCh38, 1-based): chr2:231,360,775, G>A. VCF-style: chr2-231360775-G-A. GRCh37 (hg19) VCF-style: chr2-232225487-G-A.
Other names: c.2153G>A, p.Gly718Glu (NM_001271466.4); short protein forms G718E.
Identifiers: ClinVar variation 3350041 (VCV003350041.1).

ClinVar aggregate classification (germline): Uncertain significance (0 of 4 stars; one submission).

Conditions:
ARMC9-related disorder. Also called: ARMC9-related condition.

gnomAD v4.1: 4 of 1,536,046 alleles (0.00026%); highest among the groups gnomAD compares: East Asian, 0.0098%; no homozygotes.

Submission:

PreventionGenetics, part of Exact Sciences
Classification: Uncertain significance for ARMC9-related condition. Last evaluated: 2024-08-29. Review status: no assertion criteria provided. Collection method: clinical testing. Allele origin: germline.
Comment: The ARMC9 c.2153G>A variant is predicted to result in the amino acid substitution p.Gly718Glu. In an alternate transcript (NM_025139) this variant is described as c.*15681G>A (Post-coding). To our knowledge, this variant has not been reported in the literature. This variant is reported in 0.0095% of alleles in individuals of East Asian descent in gnomAD. At this time, the clinical significance of this variant is uncertain due to the absence of conclusive functional and genetic evidence.